The following is an entry in ClinVar:

ClinVar aggregate classification (germline): Uncertain significance. Review status: criteria provided, multiple submitters, no conflicts (2 of 4 stars). 2 submissions from 2 submitters: Uncertain significance (2). Last evaluated 2025-10-14.

Allele frequency attached by ClinVar (database versions not stated): gnomAD exomes 0.00002; TOPMed 0.00002; gnomAD 0.00001; ExAC 0.00002.
gnomAD v4.1: 37 of 1,602,506 alleles (0.0023%); highest among the groups gnomAD compares: South Asian, 0.0066%; no homozygotes.

Submissions (2):

Labcorp Genetics (formerly Invitae), Labcorp
Classification: Uncertain significance. Last evaluated: 2025-10-14. Review status: criteria provided, single submitter. Criteria: Invitae Variant Classification Sherloc (09022015). Collection method: clinical testing. Allele origin: germline.
Comment: This sequence change replaces isoleucine, which is neutral and non-polar, with valine, which is neutral and non-polar, at codon 251 of the SPPL2A protein (p.Ile251Val). This variant is present in population databases (rs760243411, gnomAD 0.01%). This variant has not been reported in the literature in individuals affected with SPPL2A-related conditions. ClinVar contains an entry for this variant (Variation ID: 2256470). An algorithm developed to predict the effect of missense changes on protein structure and function outputs the following: PolyPhen-2: "Benign". The valine amino acid residue is found in multiple mammalian species, which suggests that this missense change does not adversely affect protein function. In summary, the available evidence is currently insufficient to determine the role of this variant in disease. Therefore, it has been classified as a Variant of Uncertain Significance.

Ambry Genetics
Classification: Uncertain significance. Last evaluated: 2021-10-22. Review status: criteria provided, single submitter. Criteria: Ambry Variant Classification Scheme 2023. Collection method: clinical testing. Allele origin: germline.

NM_032802.4(SPPL2A):c.751A>G (p.Ile251Val)

Gene: SPPL2A (signal peptide peptidase like 2A; minus strand). Cytogenetic location: 15q21.2.
Variant type: single nucleotide variant.
Coding change: c.751A>G on transcript NM_032802.4 (MANE Select); coding-DNA position 751, A replaced by G.
Protein change: p.Ile251Val; replaces isoleucine 251 with valine.
Molecular consequence: missense variant.
Genome position (GRCh38, 1-based): chr15:50,736,723, T>C on the plus strand (A>G on the coding strand, the complement: SPPL2A is on the minus strand). VCF-style: chr15-50736723-T-C. GRCh37 (hg19) VCF-style: chr15-51028920-T-C.
Other names: short protein forms I251V.
Identifiers: ClinVar variation 2256470 (VCV002256470.3), dbSNP rs760243411, ClinGen allele CA7558426.